The following is an entry in ClinVar:

NM_000088.4(COL1A1):c.1259C>T (p.Pro420Leu)

Gene: COL1A1 (collagen type I alpha 1 chain; minus strand). Cytogenetic location: 17q21.33.
Variant type: single nucleotide variant.
Coding change: c.1259C>T on transcript NM_000088.4 (MANE Select); coding-DNA position 1259, C replaced by T.
Protein change: p.Pro420Leu; replaces proline 420 with leucine.
Molecular consequence: missense variant.
Genome position (GRCh38, 1-based): chr17:50,195,272, G>A on the plus strand (C>T on the coding strand, the complement: COL1A1 is on the minus strand). VCF-style: chr17-50195272-G-A. GRCh37 (hg19) VCF-style: chr17-48272633-G-A.
Other names: short protein forms P420L.
Identifiers: ClinVar variation 2173115 (VCV002173115.4), dbSNP rs1407160641, ClinGen allele CA400218733.

ClinVar aggregate classification (germline): Uncertain significance (1 of 4 stars; one submission).

Conditions:
Osteogenesis imperfecta type I (OI1). Also called: OI, TYPE I; OSTEOGENESIS IMPERFECTA TARDA; OSTEOGENESIS IMPERFECTA WITH BLUE SCLERAE; Osteogenesis imperfecta type 1; Lobstein's Disease; Lobstein disease. Identifiers: Orphanet 216796, Orphanet 666, MedGen C0023931, MONDO:0008146, OMIM 166200. Disease mechanism: loss of function.

Submission:

Labcorp Genetics (formerly Invitae), Labcorp
Classification: Uncertain significance for Osteogenesis imperfecta type I. Last evaluated: 2022-03-29. Review status: criteria provided, single submitter. Criteria: Invitae Variant Classification Sherloc (09022015). Collection method: clinical testing. Allele origin: germline.
Comment: Advanced modeling of protein sequence and biophysical properties (such as structural, functional, and spatial information, amino acid conservation, physicochemical variation, residue mobility, and thermodynamic stability) performed at Invitae indicates that this missense variant is not expected to disrupt COL1A1 protein function. In summary, the available evidence is currently insufficient to determine the role of this variant in disease. Therefore, it has been classified as a Variant of Uncertain Significance. This variant has not been reported in the literature in individuals affected with COL1A1-related conditions. This variant is not present in population databases (gnomAD no frequency). This sequence change replaces proline, which is neutral and non-polar, with leucine, which is neutral and non-polar, at codon 420 of the COL1A1 protein (p.Pro420Leu).